The following is an entry in ClinVar:

NM_015978.3(TNNI3K):c.1414G>A (p.Gly472Ser)

Genes: FPGT-TNNI3K (FPGT-TNNI3K readthrough; plus strand), TNNI3K (TNNI3 interacting kinase; plus strand). Cytogenetic location: 1p31.1.
Variant type: single nucleotide variant.
Coding change: c.1414G>A on transcript NM_015978.3 (MANE Select); coding-DNA position 1414, G replaced by A.
Protein change: p.Gly472Ser; replaces glycine 472 with serine.
Molecular consequence: missense variant.
Genome position (GRCh38, 1-based): chr1:74,369,114, G>A. VCF-style: chr1-74369114-G-A. GRCh37 (hg19) VCF-style: chr1-74834798-G-A.
Other names: c.1717G>A, p.Gly573Ser (NM_001112808.3, NM_001199327.2); short protein forms G472S, G573S.
Identifiers: ClinVar variation 1415950 (VCV001415950.6), dbSNP rs200732425, ClinGen allele CA909267.

ClinVar aggregate classification (germline): Uncertain significance (1 of 4 stars; one submission).

Allele frequency attached by ClinVar (database versions not stated): TOPMed 0.00001; gnomAD exomes 0.00002 and 0.00003; ExAC 0.00003.
gnomAD v4.1: 26 of 1,606,050 alleles (0.0016%); highest among the groups gnomAD compares: South Asian, 0.024%; no homozygotes.

Submission:

Labcorp Genetics (formerly Invitae), Labcorp
Classification: Uncertain significance. Last evaluated: 2026-01-19. Review status: criteria provided, single submitter. Criteria: Invitae Variant Classification Sherloc (09022015). Collection method: clinical testing. Allele origin: germline.
Comment: This sequence change replaces glycine, which is neutral and non-polar, with serine, which is neutral and polar, at codon 472 of the TNNI3K protein (p.Gly472Ser). This variant is present in population databases (rs200732425, gnomAD 0.02%). This variant has not been reported in the literature in individuals affected with TNNI3K-related conditions. ClinVar contains an entry for this variant (Variation ID: 1415950). An algorithm developed to predict the effect of missense changes on protein structure and function (PolyPhen-2) suggests that this variant is likely to be disruptive. Algorithms developed to predict the effect of sequence changes on RNA splicing suggest that this variant may disrupt the consensus splice site. In summary, the available evidence is currently insufficient to determine the role of this variant in disease. Therefore, it has been classified as a Variant of Uncertain Significance.